The following is an entry in ClinVar:

ClinVar aggregate classification (germline): Uncertain significance. Review status: criteria provided, multiple submitters, no conflicts (2 of 4 stars). 5 submissions from 5 submitters: Uncertain significance (4). 1 of the submissions does not count toward it. Last evaluated 2026-01-25.

Conditions:
Hereditary cancer-predisposing syndrome. Also called: Neoplastic Syndromes, Hereditary; Tumor predisposition; Hereditary Cancer Syndrome; Hereditary neoplastic syndrome. Identifiers: Orphanet 140162, MedGen C0027672, MeSH D009386, MONDO:0015356.
Pheochromocytoma/paraganglioma syndrome 5. Also called: Paragangliomas 5; SDHA-Related Hereditary Paraganglioma-Pheochromocytoma Syndrome. Identifiers: Orphanet 29072, MedGen C3279992, MONDO:0013602, OMIM 614165.
Mitochondrial complex II deficiency, nuclear type 1. Also called: SUCCINATE CoQ REDUCTASE DEFICIENCY. Identifiers: Orphanet 3208, MedGen C5700310, MONDO:0100294, OMIM 252011.

Allele frequency attached by ClinVar (database versions not stated): gnomAD exomes 0.00001 and 0.00002; gnomAD 0.00002; TOPMed 0.00002; ExAC 0.00003.
gnomAD v4.1: 19 of 1,613,974 alleles (0.0012%); highest among the groups gnomAD compares: African/African-American, 0.004%; no homozygotes.

Submissions (5):

Labcorp Genetics (formerly Invitae), Labcorp
Classification: Uncertain significance for Pheochromocytoma/paraganglioma syndrome 5; Mitochondrial complex II deficiency, nuclear type 1. Last evaluated: 2026-01-25. Review status: criteria provided, single submitter. Criteria: Invitae Variant Classification Sherloc (09022015). Collection method: clinical testing. Allele origin: germline.
Comment: This sequence change replaces glycine, which is neutral and non-polar, with serine, which is neutral and polar, at codon 276 of the SDHA protein (p.Gly276Ser). This variant is present in population databases (rs751008647, gnomAD 0.009%). This variant has not been reported in the literature in individuals affected with SDHA-related conditions. ClinVar contains an entry for this variant (Variation ID: 412356). Invitae Evidence Modeling of protein sequence and biophysical properties (such as structural, functional, and spatial information, amino acid conservation, physicochemical variation, residue mobility, and thermodynamic stability) has been performed for this missense variant. However, the output from this modeling did not meet the statistical confidence thresholds required to predict the impact of this variant on SDHA protein function. In summary, the available evidence is currently insufficient to determine the role of this variant in disease. Therefore, it has been classified as a Variant of Uncertain Significance.

Blueprint Genetics
Classification: Uncertain significance. Last evaluated: 2024-07-03. Review status: criteria provided, single submitter. Criteria: ACMG Guidelines, 2015. Collection method: clinical testing. Allele origin: germline.

Ambry Genetics
Classification: Uncertain significance for Hereditary cancer-predisposing syndrome. Last evaluated: 2024-04-13. Review status: criteria provided, single submitter. Criteria: Ambry Variant Classification Scheme 2023. Collection method: clinical testing. Allele origin: germline.
Comment: The p.G276S variant (also known as c.826G>A), located in coding exon 7 of the SDHA gene, results from a G to A substitution at nucleotide position 826. The glycine at codon 276 is replaced by serine, an amino acid with similar properties. This amino acid position is highly conserved in available vertebrate species. In addition, this alteration is predicted to be deleterious by in silico analysis. Since supporting evidence is limited at this time, the clinical significance of this alteration remains unclear.

Myriad Genetics, Inc.
Classification: Uncertain significance for Pheochromocytoma/paraganglioma syndrome 5. Last evaluated: 2023-04-21. Review status: criteria provided, single submitter. Criteria: Myriad Autosomal Dominant, Autosomal Recessive and X-Linked Classification Criteria (2023). Collection method: clinical testing. Allele origin: unknown.
Comment: This variant is classified as a variant of uncertain significance as there is insufficient evidence to determine its impact on protein function and/or cancer risk.

Counsyl
Classification: Uncertain significance for Pheochromocytoma/paraganglioma syndrome 5. Last evaluated: 2018-06-07. Review status: no assertion criteria provided. Collection method: clinical testing. Allele origin: unknown. Not counted in ClinVar's aggregate classification.

NM_004168.4(SDHA):c.826G>A (p.Gly276Ser)

Gene: SDHA (succinate dehydrogenase complex flavoprotein subunit A; plus strand). Cytogenetic location: 5p15.33.
Variant type: single nucleotide variant.
Coding change: c.826G>A on transcript NM_004168.4 (MANE Select); coding-DNA position 826, G replaced by A.
Protein change: p.Gly276Ser; replaces glycine 276 with serine.
Molecular consequence: missense variant.
Genome position (GRCh38, 1-based): chr5:230,931, G>A. VCF-style: chr5-230931-G-A. GRCh37 (hg19) VCF-style: chr5-231046-G-A.
Other names: c.682G>A, p.Gly228Ser (NM_001294332.2); c.826G>A, p.Gly276Ser (NM_001330758.2); short protein forms G276S, G228S.
Identifiers: ClinVar variation 412356 (VCV000412356.16), dbSNP rs751008647, ClinGen allele CA3173001.
Genomic context (GRCh38, chr5:230,931, plus strand): 5'-TCCAGAGGCTACGGGCGCACCTACTTCAGCTGCACGTCTGCCCACACCAGCACTGGCGAC[G>A]GCACGGCCATGATCACCAGGGCAGGCCTTCCTTGCCAGGACCTAGAGTTTGTTCAGTTCC-3'
Protein context (NP_004159.2, residues 266-286): CTSAHTSTGD[Gly276Ser]TAMITRAGLP